The following is an entry in ClinVar:

NM_000132.4(F8):c.4045A>G (p.Arg1349Gly)

Gene: F8 (coagulation factor VIII; minus strand). Cytogenetic location: Xq28.
Variant type: single nucleotide variant.
Coding change: c.4045A>G on transcript NM_000132.4 (MANE Select); coding-DNA position 4045, A replaced by G.
Protein change: p.Arg1349Gly; replaces arginine 1349 with glycine.
Molecular consequence: missense variant.
Genome position (GRCh38, 1-based): chrX:154,929,745, T>C on the plus strand (A>G on the coding strand, the complement: F8 is on the minus strand). VCF-style: chrX-154929745-T-C. GRCh37 (hg19) VCF-style: chrX-154158020-T-C.
Other names: short protein forms R1349G.
Identifiers: ClinVar variation 1330529 (VCV001330529.7), dbSNP rs937701134, ClinGen allele CA337324594.

ClinVar aggregate classification (germline): Uncertain significance (1 of 4 stars; one submission).

Conditions:
Hereditary factor VIII deficiency disease (HEMA). Also called: HEMOPHILIA, CLASSIC; AUTOSOMAL HEMOPHILIA A; Hemophilia A; Hemophilia A, congenital; HEM A; Factor 8 deficiency, congenital. Identifiers: Orphanet 98878, MedGen C0019069, MONDO:0010602, OMIM 306700.

Allele frequency attached by ClinVar (database versions not stated): gnomAD exomes below 0.00001 and 0.00001; TOPMed 0.00002; gnomAD 0.00003 and 0.00004.
gnomAD v4.1: 5 of 1,209,023 alleles (0.00041%); highest among the groups gnomAD compares: African/African-American, 0.0088%; no homozygotes.

Submission:

ARUP Laboratories, Molecular Genetics and Genomics, ARUP Laboratories
Classification: Uncertain significance for Hereditary factor VIII deficiency disease. Last evaluated: 2021-01-10. Review status: criteria provided, single submitter. Criteria: ARUP Molecular Germline Variant Investigation Process 2021. Collection method: clinical testing. Allele origin: germline.
Comment: The F8 c.4045A>G; p.Arg1349Gly variant (rs937701134), to our knowledge, is not reported in the medical literature or gene specific databases. This variant is found in the African population with an allele frequency of 0.015% (3/18973 alleles) in the Genome Aggregation Database. The arginine at codon 1349 is weakly conserved, but computational analyses are uncertain whether this variant is neutral or deleterious (REVEL: 0.171). However, given the lack of clinical and functional data, the significance of the p.Arg1349Gly variant is uncertain at this time.